The following is an entry in ClinVar:

ClinVar aggregate classification (germline): Uncertain significance (1 of 4 stars; one submission).

gnomAD v4.1: 1 of 1,614,052 alleles (0.000062%); highest among the groups gnomAD compares: Non-Finnish European, 0.000085%; no homozygotes.

Submission:

GeneDx
Classification: Uncertain significance. Last evaluated: 2025-01-03. Review status: criteria provided, single submitter. Criteria: GeneDx Variant Classification Process June 2021. Collection method: clinical testing. Allele origin: germline. Affected: yes.
Comment: Not observed at significant frequency in large population cohorts (gnomAD); In silico analysis indicates that this missense variant does not alter protein structure/function; Has not been previously published as pathogenic or benign to our knowledge

NM_017433.5(MYO3A):c.3548A>G (p.Asn1183Ser)

Gene: MYO3A (myosin IIIA; plus strand). Cytogenetic location: 10p12.1.
Variant type: single nucleotide variant.
Coding change: c.3548A>G on transcript NM_017433.5 (MANE Select); coding-DNA position 3548, A replaced by G.
Protein change: p.Asn1183Ser; replaces asparagine 1183 with serine.
Molecular consequence: missense variant.
Genome position (GRCh38, 1-based): chr10:26,173,812, A>G. VCF-style: chr10-26173812-A-G. GRCh37 (hg19) VCF-style: chr10-26462741-A-G.
Other names: short protein forms N1183S.
Identifiers: ClinVar variation 4055864 (VCV004055864.1).